The following is an entry in ClinVar:

NM_020937.4(FANCM):c.5045A>G (p.Asp1682Gly)

Gene: FANCM (FA complementation group M; plus strand). Cytogenetic location: 14q21.2.
Variant type: single nucleotide variant.
Coding change: c.5045A>G on transcript NM_020937.4 (MANE Select); coding-DNA position 5045, A replaced by G.
Protein change: p.Asp1682Gly; replaces aspartic acid 1682 with glycine.
Molecular consequence: missense variant.
Genome position (GRCh38, 1-based): chr14:45,189,067, A>G. VCF-style: chr14-45189067-A-G. GRCh37 (hg19) VCF-style: chr14-45658270-A-G.
Other names: c.4967A>G, p.Asp1656Gly (NM_001308133.2); short protein forms D1656G, D1682G.
Identifiers: ClinVar variation 2881391 (VCV002881391.3), dbSNP rs2139296568, ClinGen allele CA389612120.

ClinVar aggregate classification (germline): Uncertain significance (1 of 4 stars; one submission).

Conditions:
Fanconi anemia (FA). Also called: Fanconi's anemia. Identifiers: Orphanet 84, MedGen C0015625, MeSH D005199, MONDO:0019391.

gnomAD v4.1: 7 of 1,614,186 alleles (0.00043%); highest among the groups gnomAD compares: Non-Finnish European, 0.00059%; no homozygotes.

Submission:

Labcorp Genetics (formerly Invitae), Labcorp
Classification: Uncertain significance for Fanconi anemia. Last evaluated: 2023-12-24. Review status: criteria provided, single submitter. Criteria: Invitae Variant Classification Sherloc (09022015). Collection method: clinical testing. Allele origin: germline.
Comment: This sequence change replaces aspartic acid, which is acidic and polar, with glycine, which is neutral and non-polar, at codon 1682 of the FANCM protein (p.Asp1682Gly). This variant is not present in population databases (gnomAD no frequency). This variant has not been reported in the literature in individuals affected with FANCM-related conditions. Algorithms developed to predict the effect of missense changes on protein structure and function output the following: SIFT: "Not Available"; PolyPhen-2: "Possibly Damaging"; Align-GVGD: "Not Available". The glycine amino acid residue is found in multiple mammalian species, which suggests that this missense change does not adversely affect protein function. In summary, the available evidence is currently insufficient to determine the role of this variant in disease. Therefore, it has been classified as a Variant of Uncertain Significance.